The following is an entry in ClinVar:

NM_021076.4(NEFH):c.378G>C (p.Glu126Asp)

Gene: NEFH (neurofilament heavy chain; plus strand). Cytogenetic location: 22q12.2.
Variant type: single nucleotide variant.
Coding change: c.378G>C on transcript NM_021076.4 (MANE Select); coding-DNA position 378, G replaced by C.
Protein change: p.Glu126Asp; replaces glutamic acid 126 with aspartic acid.
Molecular consequence: missense variant.
Genome position (GRCh38, 1-based): chr22:29,480,640, G>C. VCF-style: chr22-29480640-G-C. GRCh37 (hg19) VCF-style: chr22-29876629-G-C.
Other names: short protein forms E126D.
Identifiers: ClinVar variation 1372805 (VCV001372805.8), dbSNP rs774176192, ClinGen allele CA10174001.

ClinVar aggregate classification (germline): Uncertain significance (1 of 4 stars; one submission).

Allele frequency attached by ClinVar (database versions not stated): gnomAD exomes 0.00001.
gnomAD v4.1: 12 of 1,562,074 alleles (0.00077%); highest among the groups gnomAD compares: East Asian, 0.0023%; no homozygotes.

Submission:

Labcorp Genetics (formerly Invitae), Labcorp
Classification: Uncertain significance. Last evaluated: 2021-07-10. Review status: criteria provided, single submitter. Criteria: Invitae Variant Classification Sherloc (09022015). Collection method: clinical testing. Allele origin: germline.
Comment: In summary, the available evidence is currently insufficient to determine the role of this variant in disease. Therefore, it has been classified as a Variant of Uncertain Significance. Algorithms developed to predict the effect of missense changes on protein structure and function are either unavailable or do not agree on the potential impact of this missense change (SIFT: "Deleterious"; PolyPhen-2: "Not Available"; Align-GVGD: "Class C0"). This variant has not been reported in the literature in individuals affected with NEFH-related conditions. The frequency data for this variant in the population databases is considered unreliable, as metrics indicate poor data quality at this position in the ExAC database. This sequence change replaces glutamic acid with aspartic acid at codon 126 of the NEFH protein (p.Glu126Asp). The glutamic acid residue is highly conserved and there is a small physicochemical difference between glutamic acid and aspartic acid.